The following is an entry in ClinVar:

NM_002557.4(OVGP1):c.1545G>A (p.Gln515=)

Gene: OVGP1 (oviductal glycoprotein 1; minus strand). Cytogenetic location: 1p13.2.
Variant type: single nucleotide variant.
Coding change: c.1545G>A on transcript NM_002557.4 (MANE Select); coding-DNA position 1545, G replaced by A.
Protein change: p.Gln515=; no amino-acid change (glutamine 515 retained).
Molecular consequence: synonymous variant.
Genome position (GRCh38, 1-based): chr1:111,414,956, C>T on the plus strand (G>A on the coding strand, the complement: OVGP1 is on the minus strand). VCF-style: chr1-111414956-C-T. GRCh37 (hg19) VCF-style: chr1-111957578-C-T.
Identifiers: ClinVar variation 4533556 (VCV004533556.6).

ClinVar aggregate classification (germline): Likely benign (1 of 4 stars; one submission).

gnomAD v4.1: 14 of 807,058 alleles (0.0017%); highest among the groups gnomAD compares: East Asian, 0.003%; no homozygotes.

Submission:

CeGaT Center for Human Genetics Tuebingen
Classification: Likely benign. Last evaluated: 2025-10-01. Review status: criteria provided, single submitter. Criteria: CeGaT Center For Human Genetics Tuebingen Variant Classification Criteria Version 2. Collection method: clinical testing. Allele origin: germline. Affected: yes. Observed: 1 variant allele.
Comment: OVGP1: BP4, BP7